The following is an entry in ClinVar:

NM_130384.3(ATRIP):c.350T>G (p.Leu117Arg)

Genes: ATRIP (ATR interacting protein; plus strand), ATRIP-TREX1 (ATRIP-TREX1 readthrough; plus strand). Cytogenetic location: 3p21.31.
Variant type: single nucleotide variant.
Coding change: c.350T>G on transcript NM_130384.3 (MANE Select); coding-DNA position 350, T replaced by G.
Protein change: p.Leu117Arg; replaces leucine 117 with arginine.
Molecular consequence: missense variant. On other transcripts: non-coding transcript variant (1), 5 prime UTR variant (1).
Genome position (GRCh38, 1-based): chr3:48,450,139, T>G. VCF-style: chr3-48450139-T-G. GRCh37 (hg19) VCF-style: chr3-48491545-T-G.
Other names: c.-115T>G (NM_001271022.2); c.71T>G, p.Leu24Arg (NM_001271023.2); c.350T>G, p.Leu117Arg (NM_032166.4); short protein forms L117R, L24R.
Identifiers: ClinVar variation 3976395 (VCV003976395.1).

ClinVar aggregate classification (germline): Uncertain significance (1 of 4 stars; one submission).

Submission:

Ambry Genetics
Classification: Uncertain significance. Last evaluated: 2025-05-01. Review status: criteria provided, single submitter. Criteria: Ambry Variant Classification Scheme 2023. Collection method: clinical testing. Allele origin: germline.
Comment: The p.L117R variant (also known as c.350T>G), located in coding exon 2 of the ATRIP gene, results from a T to G substitution at nucleotide position 350. The leucine at codon 117 is replaced by arginine, an amino acid with dissimilar properties. This amino acid position is conserved. In addition, this alteration is predicted to be deleterious by in silico analysis. Based on the available evidence, the clinical significance of this variant remains unclear.